The following is an entry in ClinVar:

NM_000501.4(ELN):c.1326G>C (p.Gln442His)

Gene: ELN (elastin; plus strand). Cytogenetic location: 7q11.23.
Variant type: single nucleotide variant.
Coding change: c.1326G>C on transcript NM_000501.4 (MANE Select); coding-DNA position 1326, G replaced by C.
Protein change: p.Gln442His; replaces glutamine 442 with histidine.
Molecular consequence: missense variant.
Genome position (GRCh38, 1-based): chr7:74,056,682, G>C. VCF-style: chr7-74056682-G-C. GRCh37 (hg19) VCF-style: chr7-73471012-G-C.
Other names: c.1296G>C, p.Gln432His (NM_001081752.3, NM_001278917.2); c.1341G>C, p.Gln447His (NM_001081753.3, NM_001081754.3); c.1326G>C, p.Gln442His (NM_001081755.3, NM_001278912.2, NM_001278915.2 and 1 more transcripts); c.1140G>C, p.Gln380His (NM_001278913.2); c.1311G>C, p.Gln437His (NM_001278914.2); c.1284G>C, p.Gln428His (NM_001278916.2); c.1116G>C, p.Gln372His (NM_001278918.2); short protein forms Q372H, Q380H, Q428H, Q432H, Q437H, Q442H, Q447H.
Identifiers: ClinVar variation 1303611 (VCV001303611.2), dbSNP rs782734629, ClinGen allele CA4292948.

ClinVar aggregate classification (germline): Uncertain significance (1 of 4 stars; one submission).

Allele frequency attached by ClinVar (database versions not stated): gnomAD exomes 0.00001 and 0.00002; ExAC 0.00004.
gnomAD v4.1: 8 of 1,613,746 alleles (0.0005%); highest among the groups gnomAD compares: Admixed American, 0.0017%; no homozygotes.

Submission:

GeneDx
Classification: Uncertain significance. Last evaluated: 2020-08-21. Review status: criteria provided, single submitter. Criteria: GeneDx Variant Classification Process June 2021. Collection method: clinical testing. Allele origin: germline. Affected: yes.
Comment: In silico analysis supports that this missense variant does not alter protein structure/function; Has not been previously published as pathogenic or benign to our knowledge